The following is an entry in ClinVar:

ClinVar aggregate classification (germline): Uncertain significance. Review status: criteria provided, multiple submitters, no conflicts (2 of 4 stars). 2 submissions from 2 submitters: Uncertain significance (2). Last evaluated 2025-10-22.

Conditions:
Familial cancer of breast. Also called: hereditary breast carcinoma; BREAST CANCER, FAMILIAL; Hereditary breast cancer. Identifiers: Orphanet 227535, MedGen C0346153, MONDO:0016419, OMIM 114480. Disease mechanism: loss of function.
Hereditary cancer-predisposing syndrome. Also called: Neoplastic Syndromes, Hereditary; Tumor predisposition; Hereditary neoplastic syndrome; Hereditary Cancer Syndrome. Identifiers: Orphanet 140162, MedGen C0027672, MeSH D009386, MONDO:0015356.

Allele frequency attached by ClinVar (database versions not stated): gnomAD exomes below 0.00001; gnomAD 0.00001.
gnomAD v4.1: 3 of 1,613,848 alleles (0.00019%); highest among the groups gnomAD compares: East Asian, 0.0022%; no homozygotes.

Submissions (2):

Ambry Genetics
Classification: Uncertain significance for Hereditary cancer-predisposing syndrome. Last evaluated: 2025-10-22. Review status: criteria provided, single submitter. Criteria: Ambry Variant Classification Scheme 2023. Collection method: clinical testing. Allele origin: germline.
Comment: The p.E70K variant (also known as c.208G>A), located in coding exon 1 of the CHEK2 gene, results from a G to A substitution at nucleotide position 208. The glutamic acid at codon 70 is replaced by lysine, an amino acid with similar properties. This amino acid position is well conserved in available vertebrate species. In addition, the in silico prediction for this alteration is inconclusive. Since supporting evidence is limited at this time, the clinical significance of this alteration remains unclear.

Labcorp Genetics (formerly Invitae), Labcorp
Classification: Uncertain significance for Familial cancer of breast. Last evaluated: 2018-11-05. Review status: criteria provided, single submitter. Criteria: Invitae Variant Classification Sherloc (09022015). Collection method: clinical testing. Allele origin: germline.
Comment: This sequence change replaces glutamic acid with lysine at codon 70 of the CHEK2 protein (p.Glu70Lys). The glutamic acid residue is highly conserved and there is a small physicochemical difference between glutamic acid and lysine. In summary, the available evidence is currently insufficient to determine the role of this variant in disease. Therefore, it has been classified as a Variant of Uncertain Significance. Algorithms developed to predict the effect of missense changes on protein structure and function are either unavailable or do not agree on the potential impact of this missense change (SIFT: "Deleterious"; PolyPhen-2: "Possibly Damaging"; Align-GVGD: "Class C0"). This variant has not been reported in the literature in individuals with CHEK2-related disease. This variant is not present in population databases (ExAC no frequency).

NM_007194.4(CHEK2):c.208G>A (p.Glu70Lys)

Gene: CHEK2 (checkpoint kinase 2; minus strand). Cytogenetic location: 22q12.1.
Variant type: single nucleotide variant.
Coding change: c.208G>A on transcript NM_007194.4 (MANE Select); coding-DNA position 208, G replaced by A.
Protein change: p.Glu70Lys; replaces glutamic acid 70 with lysine.
Molecular consequence: missense variant.
Genome position (GRCh38, 1-based): chr22:28,734,514, C>T on the plus strand (G>A on the coding strand, the complement: CHEK2 is on the minus strand). VCF-style: chr22-28734514-C-T. GRCh37 (hg19) VCF-style: chr22-29130502-C-T.
Other names: c.208G>A, p.Glu70Lys (NM_001005735.3, NM_001349956.3, NM_145862.3); c.-570G>A (NM_001257387.3); short protein forms E70K.
Identifiers: ClinVar variation 642704 (VCV000642704.12), dbSNP rs878854917, ClinGen allele CA411090787.